The following is an entry in ClinVar:

ClinVar aggregate classification (germline): Uncertain significance (1 of 4 stars; one submission).

Conditions:
GNAS-related disorder. Identifiers: MedGen CN380105.

gnomAD v4.1: 23 of 1,528,362 alleles (0.0015%); highest among the groups gnomAD compares: Admixed American, 0.002%; no homozygotes.

Submission:

PreventionGenetics, part of Exact Sciences
Classification: Uncertain significance for GNAS-related condition. Last evaluated: 2025-05-23. Review status: criteria provided, single submitter. Criteria: ACMG Guidelines, 2015. Collection method: clinical testing. Allele origin: germline.
Comment: The GNAS c.1400C>A variant is predicted to result in the amino acid substitution p.Ala467Asp. In the more commonly reported transcript (NM_000516.5), this variant is pre-coding (c.-37062C>A). To our knowledge, this variant has not been reported in the literature. This variant has not been reported in a sub-population within gnomAD, indicating it is rare. At this time, the clinical significance of this variant is uncertain due to the absence of conclusive functional and genetic evidence.

NM_080425.4(GNAS):c.1400C>A (p.Ala467Asp)

Gene: GNAS (GNAS complex locus; plus strand). Cytogenetic location: 20q13.32.
Variant type: single nucleotide variant.
Coding change: c.1400C>A on transcript NM_080425.4 (MANE Plus Clinical); coding-DNA position 1400, C replaced by A.
Protein change: p.Ala467Asp; replaces alanine 467 with aspartic acid.
Molecular consequence: missense variant. On other transcripts: intron variant (3).
Genome position (GRCh38, 1-based): chr20:58,854,665, C>A. VCF-style: chr20-58854665-C-A. GRCh37 (hg19) VCF-style: chr20-57429720-C-A.
Other names: c.1213C>A, p.Pro405Thr (NM_001077490.3, NM_001309883.1); c.1400C>A, p.Ala467Asp (NM_001410913.1); c.*42+13779C>A (NM_016592.5); c.43+13779C>A (NM_001410912.1); c.-39+12790C>A (NM_001309861.2); short protein forms P405T, A467D.
Identifiers: ClinVar variation 4990203 (VCV004990203.1).